The following is an entry in ClinVar:

NM_006440.5(TXNRD2):c.43T>A (p.Phe15Ile)

Gene: TXNRD2 (thioredoxin reductase 2; minus strand). Cytogenetic location: 22q11.21.
Variant type: single nucleotide variant.
Coding change: c.43T>A on transcript NM_006440.5 (MANE Select); coding-DNA position 43, T replaced by A.
Protein change: p.Phe15Ile; replaces phenylalanine 15 with isoleucine.
Molecular consequence: missense variant. On other transcripts: non-coding transcript variant (1).
Genome position (GRCh38, 1-based): chr22:19,941,761, A>T on the plus strand (T>A on the coding strand, the complement: TXNRD2 is on the minus strand). VCF-style: chr22-19941761-A-T. GRCh37 (hg19) VCF-style: chr22-19929284-A-T.
Other names: c.43T>A, p.Phe15Ile (NM_001282512.3, NM_001352300.2); c.-228A>T (NM_000754.3); short protein forms F15I.
Identifiers: ClinVar variation 2873991 (VCV002873991.3), dbSNP rs1941728679, ClinGen allele CA410700107.
Genomic context (GRCh38, chr22:19,941,761, plus strand): 5'-CTGCTGCGCCCCGCGCCGCGCCCCGCACCCCGCCCGCCACGGCCTGCGTCCGCCACCGGA[A>T]GCGCCCTCCTAATCCCCGCAGCGCCACCGCCATTGCCGCCATCGTCGTGGGGCTTCTGGG-3'
Protein context (NP_006431.2, residues 5-25): AVALRGLGGR[Phe15Ile]RWRTQAVAGG

ClinVar aggregate classification (germline): Uncertain significance (1 of 4 stars; one submission).

Conditions:
Primary dilated cardiomyopathy (DCM). Also called: Dilated Cardiomyopathy. Identifiers: Orphanet 217604, MedGen C0007193, MeSH D002311, MONDO:0005021, HP:0001644. Inheritance: Various modes of inheritance.

Submission:

Labcorp Genetics (formerly Invitae), Labcorp
Classification: Uncertain significance for Primary dilated cardiomyopathy. Last evaluated: 2022-10-29. Review status: criteria provided, single submitter. Criteria: Invitae Variant Classification Sherloc (09022015). Collection method: clinical testing. Allele origin: germline.
Comment: In summary, the available evidence is currently insufficient to determine the role of this variant in disease. Therefore, it has been classified as a Variant of Uncertain Significance. Algorithms developed to predict the effect of missense changes on protein structure and function are either unavailable or do not agree on the potential impact of this missense change (SIFT: "Tolerated"; PolyPhen-2: "Probably Damaging"; Align-GVGD: "Class C0"). This variant has not been reported in the literature in individuals affected with TXNRD2-related conditions. This variant is not present in population databases (gnomAD no frequency). This sequence change replaces phenylalanine, which is neutral and non-polar, with isoleucine, which is neutral and non-polar, at codon 15 of the TXNRD2 protein (p.Phe15Ile).